The following is an entry in ClinVar:

ClinVar aggregate classification (germline): Uncertain significance (1 of 4 stars; one submission).

Submission:

Women's Health and Genetics/Laboratory Corporation of America, LabCorp
Classification: Uncertain significance. Last evaluated: 2024-02-13. Review status: criteria provided, single submitter. Criteria: LabCorp Variant Classification Summary - May 2015. Collection method: clinical testing. Allele origin: germline.
Comment: Variant summary: The variant involves the duplication of exons 1-3 in the PRKAG2 gene. A presumed nomenclature of c.(?_-496)_(466+1_467-1)dup has been designated for the purposes of this classification. The exact breakpoint at the 5' end of this variant is unknown, therefore this duplication may extend upstream of the annotated region of this gene. It is predicted to duplicate a segment including the initiation codon, therefore its impact on the encoded protein is unknown. The variant was absent in 21694 control chromosomes (gnomAD, structural variants dataset), although a variant involving the duplication of exons 1-3 in PRKAG2 but also affects two other genes upstream was found at a frequency of 0.0000461 in the gnomAD database. The available data on variant occurrences in the general population are insufficient to allow any conclusion about variant significance. To our knowledge, no occurrence of c.(?_-496)_(466+1_467-1)dup in individuals affected with Cardiomyopathy and no experimental evidence demonstrating its impact on protein function have been reported. ClinVar contains an entry for this variant (Variation ID: 2426279). Based on the evidence outlined above, the variant was classified as uncertain significance.

NC_000007.13:g.(151372724_151478237)_(151574201_?)dup

Gene: PRKAG2 (protein kinase AMP-activated non-catalytic subunit gamma 2; minus strand). Cytogenetic location: 7q36.1.
Variant type: Duplication.
Identifiers: ClinVar variation 3069114 (VCV003069114.1).